The following is an entry in ClinVar:

ClinVar aggregate classification (germline): Conflicting classifications of pathogenicity. Review status: criteria provided, conflicting classifications (1 of 4 stars). 4 submissions from 4 submitters: Uncertain significance (3); Likely benign (1). Last evaluated 2025-12-16.

Conditions:
Coffin-Siris syndrome 5 (CSS5). Identifiers: Orphanet 1465, MedGen C4310788, MONDO:0014838, OMIM 616938.
Hereditary cancer-predisposing syndrome. Also called: Tumor predisposition; Hereditary Cancer Syndrome; Hereditary neoplastic syndrome; Neoplastic Syndromes, Hereditary. Identifiers: Orphanet 140162, MedGen C0027672, MeSH D009386, MONDO:0015356.
Familial meningioma. Also called: Meningioma, familial, susceptibility to. Identifiers: Orphanet 263662, MedGen C3551915, MONDO:0011789, OMIM 607174.

Allele frequency attached by ClinVar (database versions not stated): gnomAD 0.00003 and 0.00004; TOPMed 0.00003; ESP Exome Variant Server 0.00008.
gnomAD v4.1: 30 of 1,613,986 alleles (0.0019%); highest among the groups gnomAD compares: African/African-American, 0.0053%; no homozygotes.

Submissions (4):

Labcorp Genetics (formerly Invitae), Labcorp
Classification: Uncertain significance for Familial meningioma. Last evaluated: 2025-12-16. Review status: criteria provided, single submitter. Criteria: Invitae Variant Classification Sherloc (09022015). Collection method: clinical testing. Allele origin: germline.
Comment: This sequence change replaces glutamic acid, which is acidic and polar, with lysine, which is basic and polar, at codon 336 of the SMARCE1 protein (p.Glu336Lys). This variant is present in population databases (rs377136485, gnomAD 0.007%). This variant has not been reported in the literature in individuals affected with SMARCE1-related conditions. ClinVar contains an entry for this variant (Variation ID: 486508). Invitae Evidence Modeling of protein sequence and biophysical properties (such as structural, functional, and spatial information, amino acid conservation, physicochemical variation, residue mobility, and thermodynamic stability) indicates that this missense variant is not expected to disrupt SMARCE1 protein function with a negative predictive value of 80%. In summary, the available evidence is currently insufficient to determine the role of this variant in disease. Therefore, it has been classified as a Variant of Uncertain Significance.

GeneDx
Classification: Uncertain significance. Last evaluated: 2025-01-23. Review status: criteria provided, single submitter. Criteria: GeneDx Variant Classification Process June 2021. Collection method: clinical testing. Allele origin: germline. Affected: yes.
Comment: In silico analysis indicates that this missense variant does not alter protein structure/function; Has not been previously published as pathogenic or benign to our knowledge; This variant is associated with the following publications: (PMID: 19245665, 25169753)

Ambry Genetics
Classification: Likely benign for Hereditary cancer-predisposing syndrome. Last evaluated: 2024-02-01. Review status: criteria provided, single submitter. Criteria: Ambry Variant Classification Scheme 2023. Collection method: clinical testing. Allele origin: germline.

Revvity Omics, Revvity
Classification: Uncertain significance for Coffin-Siris syndrome 5. Last evaluated: 2023-02-17. Review status: criteria provided, single submitter. Criteria: ACMG Guidelines, 2015. Collection method: clinical testing. Allele origin: germline.

NM_003079.5(SMARCE1):c.1006G>A (p.Glu336Lys)

Gene: SMARCE1 (SWI/SNF related BAF chromatin remodeling complex subunit E1; minus strand). Cytogenetic location: 17q21.2.
Variant type: single nucleotide variant.
Coding change: c.1006G>A on transcript NM_003079.5 (MANE Select); coding-DNA position 1006, G replaced by A.
Protein change: p.Glu336Lys; replaces glutamic acid 336 with lysine.
Molecular consequence: missense variant.
Genome position (GRCh38, 1-based): chr17:40,630,735, C>T on the plus strand (G>A on the coding strand, the complement: SMARCE1 is on the minus strand). VCF-style: chr17-40630735-C-T. GRCh37 (hg19) VCF-style: chr17-38786987-C-T.
Other names: short protein forms E336K.
Identifiers: ClinVar variation 486508 (VCV000486508.18), dbSNP rs377136485, ClinGen allele CA8545117.
Genomic context (GRCh38, chr17:40,630,735, plus strand): 5'-GTCTTGGCACTGCCTCTGCGTTTGTTGCTAGTGGGTTACCTGTCTCCATCGGAATGTTCT[C>T]GTCGTCTTTCTTCTCCTCGCCTTTGTTAGCTGCTTGTTCTTCCTCAGGAACGATGCTGCT-3'
Protein context (NP_003070.3, residues 326-346): ANKGEEKKDD[Glu336Lys]NIPMETEETH